The following is an entry in ClinVar:

ClinVar aggregate classification (germline): Uncertain significance (1 of 4 stars; one submission).

gnomAD v4.1: 1 of 1,613,428 alleles (0.000062%); highest among the groups gnomAD compares: Non-Finnish European, 0.000085%; no homozygotes.

Submission:

GeneDx
Classification: Uncertain significance. Last evaluated: 2026-04-06. Review status: criteria provided, single submitter. Criteria: GeneDx Variant Classification Process June 2021. Collection method: clinical testing. Allele origin: germline.
Comment: Not observed at significant frequency in large population cohorts (gnomAD); In silico analysis supports that this missense variant has a deleterious effect on protein structure/function; Has not been previously published as pathogenic or benign to our knowledge

NM_001161352.2(KCNMA1):c.1240G>A (p.Gly414Arg)

Gene: KCNMA1 (potassium calcium-activated channel subfamily M alpha 1; minus strand). Cytogenetic location: 10q22.3.
Variant type: single nucleotide variant.
Coding change: c.1240G>A on transcript NM_001161352.2 (MANE Select); coding-DNA position 1240, G replaced by A.
Protein change: p.Gly414Arg; replaces glycine 414 with arginine.
Molecular consequence: missense variant.
Genome position (GRCh38, 1-based): chr10:77,090,494, C>T on the plus strand (G>A on the coding strand, the complement: KCNMA1 is on the minus strand). VCF-style: chr10-77090494-C-T. GRCh37 (hg19) VCF-style: chr10-78850252-C-T.
Other names: c.1240G>A, p.Gly414Arg (NM_001014797.3, NM_001161353.2, NM_001271519.2 and 9 more transcripts); c.1078G>A, p.Gly360Arg (NM_001271518.2); c.700G>A, p.Gly234Arg (NM_001322838.2); c.1372G>A, p.Gly458Arg (NM_001437422.1); short protein forms G234R, G360R, G414R, G458R.
Identifiers: ClinVar variation 5018257 (VCV005018257.1).